The following is an entry in ClinVar:

ClinVar aggregate classification (germline): Uncertain significance (1 of 4 stars; one submission).

Allele frequency attached by ClinVar (database versions not stated): gnomAD exomes below 0.00001.
gnomAD v4.1: 2 of 1,614,098 alleles (0.00012%); highest among the groups gnomAD compares: Non-Finnish European, 0.00017%; no homozygotes.

Submission:

GeneDx
Classification: Uncertain significance. Last evaluated: 2022-09-14. Review status: criteria provided, single submitter. Criteria: GeneDx Variant Classification Process June 2021. Collection method: clinical testing. Allele origin: germline. Affected: yes.
Comment: Not observed at significant frequency in large population cohorts (gnomAD); In silico analysis supports that this missense variant does not alter protein structure/function; Has not been previously published as pathogenic or benign to our knowledge

NM_001429.4(EP300):c.6118C>G (p.Pro2040Ala)

Gene: EP300 (E1A binding protein p300; plus strand). Cytogenetic location: 22q13.2.
Variant type: single nucleotide variant.
Coding change: c.6118C>G on transcript NM_001429.4 (MANE Select); coding-DNA position 6118, C replaced by G.
Protein change: p.Pro2040Ala; replaces proline 2040 with alanine.
Molecular consequence: missense variant.
Genome position (GRCh38, 1-based): chr22:41,177,829, C>G. VCF-style: chr22-41177829-C-G. GRCh37 (hg19) VCF-style: chr22-41573833-C-G.
Other names: c.6040C>G, p.Pro2014Ala (NM_001362843.2); short protein forms P2014A, P2040A.
Identifiers: ClinVar variation 2444637 (VCV002444637.1), dbSNP rs2059211391, ClinGen allele CA411680607.